The following is an entry in ClinVar:

NM_000466.3(PEX1):c.3642C>T (p.Asp1214=)

Genes: GATAD1 (GATA zinc finger domain containing 1; plus strand), PEX1 (peroxisomal biogenesis factor 1; minus strand). Cytogenetic location: 7q21.2.
Variant type: single nucleotide variant.
Coding change: c.3642C>T on transcript NM_000466.3 (MANE Select); coding-DNA position 3642, C replaced by T.
Protein change: p.Asp1214=; no amino-acid change (aspartic acid 1214 retained).
Molecular consequence: synonymous variant.
Genome position (GRCh38, 1-based): chr7:92,489,418, G>A on the plus strand (C>T on the coding strand, the complement: PEX1 is on the minus strand). VCF-style: chr7-92489418-G-A. GRCh37 (hg19) VCF-style: chr7-92118732-G-A.
Other names: c.3471C>T, p.Asp1157= (NM_001282677.2); c.3018C>T, p.Asp1006= (NM_001282678.2).
Identifiers: ClinVar variation 908544 (VCV000908544.15), dbSNP rs777384403, ClinGen allele CA4340763.

ClinVar aggregate classification (germline): Conflicting classifications of pathogenicity. Review status: criteria provided, conflicting classifications (1 of 4 stars). 4 submissions from 4 submitters: Uncertain significance (1); Likely benign (2). 1 of the submissions does not count toward it. Last evaluated 2025-12-22.

Conditions:
Peroxisome biogenesis disorder 1A (Zellweger) (PBD1A). Also called: Zellweger leukodystrophy; Peroxisome biogenesis disorder 1a. Identifiers: MedGen C4721541, MONDO:0008953, OMIM 214100.
PEX1-related disorder. Also called: PEX1-related condition.
Zellweger spectrum disorders (ZS). Also called: Zellweger syndrome; Zellweger Spectrum Disorder; Zellweger Spectrum; Zellweger Spectrum Disorder (ZSD). Identifiers: Orphanet 912, MedGen C0043459, MONDO:0019609.

Allele frequency attached by ClinVar (database versions not stated): gnomAD 0.00001; gnomAD exomes 0.00002 and 0.00005; ExAC 0.00003; TOPMed 0.00003.
gnomAD v4.1: 36 of 1,611,998 alleles (0.0022%); highest among the groups gnomAD compares: Middle Eastern, 0.016%; no homozygotes.

Submissions (4):

Labcorp Genetics (formerly Invitae), Labcorp
Classification: Likely benign for Zellweger spectrum disorders. Last evaluated: 2025-12-22. Review status: criteria provided, single submitter. Criteria: Invitae Variant Classification Sherloc (09022015). Collection method: clinical testing. Allele origin: germline.

Blueprint Genetics
Classification: Likely benign. Last evaluated: 2024-04-19. Review status: criteria provided, single submitter. Criteria: ACMG Guidelines, 2015. Collection method: clinical testing. Allele origin: germline.

Illumina Laboratory Services, Illumina
Classification: Uncertain significance for Peroxisome biogenesis disorder 1A (Zellweger). Last evaluated: 2018-01-12. Review status: criteria provided, single submitter. Criteria: ICSL Variant Classification Criteria 13 December 2019. Collection method: clinical testing. Allele origin: germline.

PreventionGenetics, part of Exact Sciences
Classification: Likely benign for PEX1-related condition. Last evaluated: 2023-06-30. Review status: no assertion criteria provided. Collection method: clinical testing. Allele origin: germline. Not counted in ClinVar's aggregate classification.
Comment: This variant is classified as likely benign based on ACMG/AMP sequence variant interpretation guidelines (Richards et al. 2015 PMID: 25741868, with internal and published modifications).